The following is an entry in ClinVar:

ClinVar aggregate classification (germline): Uncertain significance. Review status: criteria provided, multiple submitters, no conflicts (2 of 4 stars). 2 submissions from 2 submitters: Uncertain significance (2). Last evaluated 2025-12-11.

Conditions:
Atrioventricular septal defect 4 (AVSD4). Identifiers: MedGen C3280781, MONDO:0013747, OMIM 614430.
Cardiovascular phenotype. Identifiers: MedGen CN230736.

Allele frequency attached by ClinVar (database versions not stated): gnomAD exomes below 0.00001; gnomAD 0.00001; TOPMed 0.00001.
gnomAD v4.1: 2 of 1,454,702 alleles (0.00014%); highest among the groups gnomAD compares: Non-Finnish European, 0.00018%; no homozygotes.

Submissions (2):

Labcorp Genetics (formerly Invitae), Labcorp
Classification: Uncertain significance for Atrioventricular septal defect 4. Last evaluated: 2025-12-11. Review status: criteria provided, single submitter. Criteria: Invitae Variant Classification Sherloc (09022015). Collection method: clinical testing. Allele origin: germline.
Comment: This sequence change replaces glycine, which is neutral and non-polar, with cysteine, which is neutral and slightly polar, at codon 72 of the GATA4 protein (p.Gly72Cys). This variant is not present in population databases (gnomAD no frequency). This variant has not been reported in the literature in individuals affected with GATA4-related conditions. ClinVar contains an entry for this variant (Variation ID: 845651). Invitae Evidence Modeling of protein sequence and biophysical properties (such as structural, functional, and spatial information, amino acid conservation, physicochemical variation, residue mobility, and thermodynamic stability) has been performed for this missense variant. However, the output from this modeling did not meet the statistical confidence thresholds required to predict the impact of this variant on GATA4 protein function. In summary, the available evidence is currently insufficient to determine the role of this variant in disease. Therefore, it has been classified as a Variant of Uncertain Significance.

Ambry Genetics
Classification: Uncertain significance for Cardiovascular phenotype. Last evaluated: 2024-02-25. Review status: criteria provided, single submitter. Criteria: Ambry Variant Classification Scheme 2023. Collection method: clinical testing. Allele origin: germline.
Comment: The p.G72C variant (also known as c.214G>T), located in coding exon 1 of the GATA4 gene, results from a G to T substitution at nucleotide position 214. The glycine at codon 72 is replaced by cysteine, an amino acid with highly dissimilar properties. This amino acid position is conserved. In addition, the in silico prediction for this alteration is inconclusive. Since supporting evidence is limited at this time, the clinical significance of this alteration remains unclear.

NM_001308093.3(GATA4):c.214G>T (p.Gly72Cys)

Gene: GATA4 (GATA binding protein 4). Cytogenetic location: 8p23.1.
Variant type: single nucleotide variant.
Coding change: c.214G>T on transcript NM_001308093.3 (MANE Select); coding-DNA position 214, G replaced by T.
Protein change: p.Gly72Cys; replaces glycine 72 with cysteine.
Molecular consequence: missense variant. On other transcripts: intron variant (3).
Genome position (GRCh38, 1-based): chr8:11,708,526, G>T. VCF-style: chr8-11708526-G-T. GRCh37 (hg19) VCF-style: chr8-11566035-G-T.
Other names: c.214G>T, p.Gly72Cys (NM_002052.5); c.-6+7748G>T (NM_001308094.2); c.-3+512G>T (NM_001374274.1); c.-3+4222G>T (NM_001374273.1); short protein forms G72C.
Identifiers: ClinVar variation 845651 (VCV000845651.11), dbSNP rs1310454033, ClinGen allele CA370309168.
Genomic context (GRCh38, chr8:11,708,526, plus strand): 5'-TCCTACCTCCAGGGCGGAGGCGCGGGCTCTGCGTCCGGAGGCGCCTCGGGCGGCAGCTCC[G>T]GTGGGGCCGCGTCTGGTGCGGGGCCCGGGACCCAGCAGGGCAGCCCGGGATGGAGCCAGG-3'
Protein context (NP_001295022.1, residues 62-82): ASGGASGGSS[Gly72Cys]GAASGAGPGT